The following is an entry in ClinVar:

NM_033100.4(CDHR1):c.151+5G>A

Gene: CDHR1 (cadherin related family member 1; plus strand). Cytogenetic location: 10q23.1.
Variant type: single nucleotide variant.
Coding change: c.151+5G>A on transcript NM_033100.4 (MANE Select); 5 bases into the intron after coding-DNA position 151, G replaced by A.
Molecular consequence: intron variant.
Genome position (GRCh38, 1-based): chr10:84,195,594, G>A. VCF-style: chr10-84195594-G-A. GRCh37 (hg19) VCF-style: chr10-85955350-G-A.
Other names: c.151+5G>A (NM_001171971.3).
Identifiers: ClinVar variation 2016214 (VCV002016214.5), dbSNP rs748402452, ClinGen allele CA5579422.

ClinVar aggregate classification (germline): Uncertain significance. Review status: criteria provided, multiple submitters, no conflicts (2 of 4 stars). 2 submissions from 2 submitters: Uncertain significance (2). Last evaluated 2024-06-14.

Allele frequency attached by ClinVar (database versions not stated): gnomAD exomes below 0.00001; ExAC 0.00001; TOPMed 0.00001.
gnomAD v4.1: 2 of 1,611,872 alleles (0.00012%); highest among the groups gnomAD compares: Non-Finnish European, 0.00017%; no homozygotes.

Submissions (2):

Blueprint Genetics
Classification: Uncertain significance. Last evaluated: 2024-06-14. Review status: criteria provided, single submitter. Criteria: ACMG Guidelines, 2015. Collection method: clinical testing. Allele origin: germline.

Labcorp Genetics (formerly Invitae), Labcorp
Classification: Uncertain significance. Last evaluated: 2022-07-11. Review status: criteria provided, single submitter. Criteria: Invitae Variant Classification Sherloc (09022015). Collection method: clinical testing. Allele origin: germline.
Comment: Variants that disrupt the consensus splice site are a relatively common cause of aberrant splicing (PMID: 17576681, 9536098). Algorithms developed to predict the effect of sequence changes on RNA splicing suggest that this variant may create or strengthen a splice site. This sequence change falls in intron 2 of the CDHR1 gene. It does not directly change the encoded amino acid sequence of the CDHR1 protein. It affects a nucleotide within the consensus splice site. This variant is present in population databases (rs748402452, gnomAD 0.0009%). This variant has not been reported in the literature in individuals affected with CDHR1-related conditions. In summary, the available evidence is currently insufficient to determine the role of this variant in disease. Therefore, it has been classified as a Variant of Uncertain Significance.

Literature cited by the submitters: PubMed 17576681 (cited by Labcorp Genetics (formerly Invitae), Labcorp); PubMed 9536098 (cited by Labcorp Genetics (formerly Invitae), Labcorp).